The following is an entry in ClinVar:

NM_021930.6(RINT1):c.2361G>A (p.Trp787Ter)

Genes: EFCAB10 (EF-hand calcium binding domain 10; minus strand), RINT1 (RAD50 interactor 1; plus strand). Cytogenetic location: 7q22.3.
Variant type: single nucleotide variant.
Coding change: c.2361G>A on transcript NM_021930.6 (MANE Select); coding-DNA position 2361, G replaced by A.
Protein change: p.Trp787Ter; replaces tryptophan 787 with a stop codon.
Molecular consequence: nonsense. On other transcripts: 3 prime UTR variant (2), non-coding transcript variant (1), intron variant (3).
Genome position (GRCh38, 1-based): chr7:105,567,293, G>A. VCF-style: chr7-105567293-G-A. GRCh37 (hg19) VCF-style: chr7-105207740-G-A.
Other names: c.*161C>T (NM_001355527.2, NM_001355529.2); c.2127G>A, p.Trp709Ter (NM_001346599.2); c.1338G>A, p.Trp446Ter (NM_001346600.2, NM_001346603.2); c.1437G>A, p.Trp479Ter (NM_001346601.2); c.360-1846C>T (NM_001355531.2); c.383+174C>T (NM_001355526.2, NM_001355530.2); short protein forms W446*, W479*, W709*, W787*.
Identifiers: ClinVar variation 646534 (VCV000646534.13), dbSNP rs747595808, ClinGen allele CA4426939.
Genomic context (GRCh38, chr7:105,567,293, plus strand): 5'-TGGAATTTACAAACTGGCTCAACAAGATGTTGAGATTCTACTTAATTTGAGGACAAATTG[G>A]CCTAATACTGGAAAATAATGTCTTTCAGAAAAAGGTTTCTTTGGTTTTTGTTTCTAAGAA-3'

ClinVar aggregate classification (germline): Uncertain significance. Review status: criteria provided, multiple submitters, no conflicts (2 of 4 stars). 3 submissions from 3 submitters: Uncertain significance (3). Last evaluated 2026-07-31.

Conditions:
Infantile liver failure syndrome 3. Identifiers: MedGen C5231437, MONDO:0032844, OMIM 618641.

Allele frequency attached by ClinVar (database versions not stated): ExAC 0.00002; gnomAD 0.00002 and 0.00003; gnomAD exomes 0.00003 and 0.00004; TOPMed 0.00005.
gnomAD v4.1: 57 of 1,596,112 alleles (0.0036%); highest among the groups gnomAD compares: Middle Eastern, 0.033%; 1 homozygote.

Submissions (3):

Ambry Genetics
Classification: Uncertain significance. Last evaluated: 2026-07-31. Review status: criteria provided, single submitter. Criteria: Ambry Variant Classification Scheme 2023. Collection method: clinical testing. Allele origin: germline.
Comment: The p.W787* variant (also known as c.2361G>A), located in coding exon 15 of the RINT1 gene, results from a G to A substitution at nucleotide position 2361. This changes the amino acid from a tryptophan to a stop codon within coding exon 15. This variant occurs at the 3' terminus of the gene and is not expected to trigger nonsense-mediated mRNA decay. The evidence for this gene-disease relationship is limited; therefore, the clinical significance of this variant is unclear.

Labcorp Genetics (formerly Invitae), Labcorp
Classification: Uncertain significance. Last evaluated: 2023-10-06. Review status: criteria provided, single submitter. Criteria: Invitae Variant Classification Sherloc (09022015). Collection method: clinical testing. Allele origin: germline.
Comment: This sequence change creates a premature translational stop signal (p.Trp787*) in the RINT1 gene. While this is not anticipated to result in nonsense mediated decay, it is expected to disrupt the last 6 amino acid(s) of the RINT1 protein. This variant is present in population databases (rs747595808, gnomAD 0.01%). This variant has not been reported in the literature in individuals affected with RINT1-related conditions. ClinVar contains an entry for this variant (Variation ID: 646534). Experimental studies and prediction algorithms are not available or were not evaluated, and the functional significance of this variant is currently unknown. In summary, the available evidence is currently insufficient to determine the role of this variant in disease. Therefore, it has been classified as a Variant of Uncertain Significance.

Laboratorio de Genetica e Diagnostico Molecular, Hospital Israelita Albert Einstein
Classification: Uncertain significance for Infantile liver failure syndrome 3. Last evaluated: 2022-10-19. Review status: criteria provided, single submitter. Criteria: ACMG Guidelines, 2015. Collection method: clinical testing. Allele origin: germline. Affected: yes. Observed: 1 variant allele.
Comment: ACMG classification criteria: PM2 supporting

Literature cited by the submitters: PubMed 25050558 (cited by Ambry Genetics); PubMed 26787654 (cited by Ambry Genetics).